The following is an entry in ClinVar:

ClinVar aggregate classification (germline): Likely benign (1 of 4 stars; one submission).

Submission:

CeGaT Center for Human Genetics Tuebingen
Classification: Likely benign. Last evaluated: 2026-05-01. Review status: criteria provided, single submitter. Criteria: CeGaT Center For Human Genetics Tuebingen Variant Classification Criteria Version 2. Collection method: clinical testing. Allele origin: germline. Affected: yes. Observed: 1 variant allele.
Comment: SLC6A8: PM2:Supporting, BP4, BP7

NM_005629.4(SLC6A8):c.489T>C (p.Phe163=)

Gene: SLC6A8 (solute carrier family 6 member 8; plus strand). Cytogenetic location: Xq28.
Variant type: single nucleotide variant.
Coding change: c.489T>C on transcript NM_005629.4 (MANE Select); coding-DNA position 489, T replaced by C.
Protein change: p.Phe163=; no amino-acid change (phenylalanine 163 retained).
Molecular consequence: synonymous variant.
Genome position (GRCh38, 1-based): chrX:153,691,398, T>C. VCF-style: chrX-153691398-T-C. GRCh37 (hg19) VCF-style: chrX-152956853-T-C.
Other names: c.489T>C, p.Phe163= (NM_001142805.2); c.144T>C, p.Phe48= (NM_001142806.1).
Identifiers: ClinVar variation 4873861 (VCV004873861.2).